The following is an entry in ClinVar:

NM_001369.3(DNAH5):c.8404del (p.Gln2802fs)

Gene: DNAH5 (dynein axonemal heavy chain 5; minus strand). Cytogenetic location: 5p15.2.
Variant type: Deletion.
Coding change: c.8404del on transcript NM_001369.3 (MANE Select); coding-DNA position 8404, one base deleted (C; older notation c.8404delC).
Protein change: p.Gln2802fs; shifts the reading frame from glutamine 2802.
Molecular consequence: frameshift variant.
Genome position (GRCh38, 1-based): chr5:13,792,038, G deleted on the plus strand (C on the coding strand, the reverse complement: DNAH5 is on the minus strand). VCF-style (leftmost placement, unchanged base first): chr5-13792037-TG-T. GRCh37 (hg19) VCF-style: chr5-13792146-TG-T.
Other names: short protein forms Q2802fs.
Identifiers: ClinVar variation 3710213 (VCV003710213.2).

ClinVar aggregate classification (germline): Pathogenic (1 of 4 stars; one submission).

Conditions:
Primary ciliary dyskinesia. Also called: Ciliary dyskinesia. Identifiers: Orphanet 244, MedGen C0008780, MONDO:0016575, HP:0012265.

Submission:

Labcorp Genetics (formerly Invitae), Labcorp
Classification: Pathogenic for Primary ciliary dyskinesia. Last evaluated: 2024-05-07. Review status: criteria provided, single submitter. Criteria: Invitae Variant Classification Sherloc (09022015). Collection method: clinical testing. Allele origin: germline.
Comment: This sequence change creates a premature translational stop signal (p.Gln2802Argfs*4) in the DNAH5 gene. It is expected to result in an absent or disrupted protein product. Loss-of-function variants in DNAH5 are known to be pathogenic (PMID: 11788826, 16627867). This variant is not present in population databases (gnomAD no frequency). This variant has not been reported in the literature in individuals affected with DNAH5-related conditions. For these reasons, this variant has been classified as Pathogenic.

Literature cited by the submitters: PubMed 11788826; PubMed 16627867.